The following is an entry in ClinVar:

NM_001130823.3(DNMT1):c.4392C>T (p.Asp1464=)

Gene: DNMT1 (DNA methyltransferase 1; minus strand). Cytogenetic location: 19p13.2.
Variant type: single nucleotide variant.
Coding change: c.4392C>T on transcript NM_001130823.3 (MANE Select); coding-DNA position 4392, C replaced by T.
Protein change: p.Asp1464=; no amino-acid change (aspartic acid 1464 retained).
Molecular consequence: synonymous variant.
Genome position (GRCh38, 1-based): chr19:10,137,182, G>A on the plus strand (C>T on the coding strand, the complement: DNMT1 is on the minus strand). VCF-style: chr19-10137182-G-A. GRCh37 (hg19) VCF-style: chr19-10247858-G-A.
Other names: c.4344C>T, p.Asp1448= (NM_001318730.2, NM_001379.4); c.4029C>T, p.Asp1343= (NM_001318731.2); c.4392C>T (NM_001130823.2).
Identifiers: ClinVar variation 734521 (VCV000734521.10), dbSNP rs200416276, ClinGen allele CA9187524.
Genomic context (GRCh38, chr19:10,137,182, plus strand): 5'-GCTGCTGCGGCCGTTCTTCCTGTCATGGTGGGTATACCGCAGCTTCCTGGCCATGGTGCC[G>A]TCTGAGAGCCGCACCTCGATGTTGGGCAGATCGCGCCAGTCTGACCCTGGGGCCAAGGGG-3'
Protein context (NP_001124295.1, residues 1454-1474): DLPNIEVRLS[Asp1464=]GTMARKLRYT

ClinVar aggregate classification (germline): Likely benign. Review status: criteria provided, multiple submitters, no conflicts (2 of 4 stars). 2 submissions from 2 submitters: Likely benign (2). Last evaluated 2025-05-28.

Conditions:
DNMT1-related disorder. Also called: DNMT1-related condition. Identifiers: MedGen CN381527.
Hereditary sensory neuropathy-deafness-dementia syndrome. Also called: NEUROPATHY, HEREDITARY SENSORY, WITH HEARING LOSS AND DEMENTIA; Hereditary Sensory and Autonomic Neuropathy Type 1E (HSAN1E); HSN IE; Hereditary sensory neuropathy type IE. Identifiers: Orphanet 456318, MedGen C3279885, MONDO:0013584, OMIM 614116.

Allele frequency attached by ClinVar (database versions not stated): gnomAD exomes 0.00002; ExAC 0.00004; gnomAD 0.00004; TOPMed 0.00005; 1000 Genomes Project 30x 0.00016; 1000 Genomes Project 0.00020.
gnomAD v4.1: 27 of 1,610,148 alleles (0.0017%); highest among the groups gnomAD compares: African/African-American, 0.011%; no homozygotes.

Submissions (2):

PreventionGenetics, part of Exact Sciences
Classification: Likely benign for DNMT1-related condition. Last evaluated: 2025-05-28. Review status: criteria provided, single submitter. Criteria: ACMG Guidelines, 2015. Collection method: clinical testing. Allele origin: germline.
Comment: This variant is classified as likely benign based on ACMG/AMP sequence variant interpretation guidelines (Richards et al. 2015 PMID: 25741868, with internal and published modifications).

Labcorp Genetics (formerly Invitae), Labcorp
Classification: Likely benign for Hereditary sensory neuropathy-deafness-dementia syndrome. Last evaluated: 2024-07-10. Review status: criteria provided, single submitter. Criteria: Invitae Variant Classification Sherloc (09022015). Collection method: clinical testing. Allele origin: germline.